The following is an entry in ClinVar:

ClinVar aggregate classification (germline): Pathogenic. Review status: criteria provided, multiple submitters, no conflicts (2 of 4 stars). 5 submissions from 5 submitters: Pathogenic (4). 1 of the submissions does not count toward it. Last evaluated 2025-11-26.

Conditions:
Iodotyrosyl coupling defect (TDH3). Also called: HYPOTHYROIDISM, CONGENITAL, DUE TO DYSHORMONOGENESIS, 3; THYROID HORMONOGENESIS, GENETIC DEFECT IN, 3. Identifiers: Orphanet 95716, MedGen C0342194, MONDO:0010135, OMIM 274700.
Congenital hypothyroidism. Identifiers: Orphanet 442, MedGen C0010308, MONDO:0018612, HP:0000851.
TG-related disorder. Also called: TG-related disorders; TG-related condition.

Allele frequency attached by ClinVar (database versions not stated): gnomAD exomes 0.00001; TOPMed 0.00002.
gnomAD v4.1: 17 of 1,613,854 alleles (0.0011%); highest among the groups gnomAD compares: Admixed American, 0.0033%; no homozygotes.

Submissions (5):

3billion
Classification: Pathogenic for Iodotyrosyl coupling defect. Last evaluated: 2025-11-26. Review status: criteria provided, single submitter. Criteria: ACMG Guidelines, 2015. Collection method: clinical testing. Allele origin: germline. Affected: yes.
Comment: The variant is observed at an extremely low frequency in the gnomAD v4.1.0 dataset (total allele frequency: 0.001%). Predicted Consequence/Location: Canonical splice site: predicted to alter splicing and result in a loss or disruption of normal protein function. Multiple pathogenic loss-of-function variants are reported downstream of the variant. In silico tools predict the variant to alter splicing and produce an abnormal transcript [SpliceAI: 1.00 (spliceogenicity >=0.2, non-spliceogenicity <0.1)]. The variant is in trans with the other variant. The variant has been reported at least twice as pathogenic without evidence for the classification (ClinVar ID: VCV000684547 /PMID: 11484898). Therefore, this variant is classified as Pathogenic according to the recommendation of ACMG/AMP guideline.

Women's Health and Genetics/Laboratory Corporation of America, LabCorp
Classification: Pathogenic for TG-Related Disorders. Last evaluated: 2024-04-15. Review status: criteria provided, single submitter. Criteria: LabCorp Variant Classification Summary - May 2015. Collection method: clinical testing. Allele origin: germline.
Comment: Variant summary: TG c.5686+1G>T is located in a canonical splice-site and is predicted to affect mRNA splicing resulting in a significantly altered protein due to either exon skipping, shortening, or inclusion of intronic material. Several computational tools predict a significant impact on normal splicing: Four predict the variant abolishes the canonical 5' splicing donor site. At least one publication reports experimental evidence that this variant affects mRNA splicing (Targovnik_2001). The variant allele was found at a frequency of 8e-06 in 250486 control chromosomes. c.5686+1G>T has been reported in the literature in at-least two siblings affected with Congenital Goiter with Hypothyroidism (example, Targovnik_2001). These data indicate that the variant is likely to be associated with disease. The following publication have been ascertained in the context of this evaluation (PMID: 11484898). ClinVar contains an entry for this variant (Variation ID: 684547). Based on the evidence outlined above, the variant was classified as pathogenic.

Blueprint Genetics
Classification: Pathogenic for TG-related disorders. Last evaluated: 2024-02-21. Review status: criteria provided, single submitter. Criteria: ACMG Guidelines, 2015. Collection method: clinical testing. Allele origin: germline. Affected: yes. Observed: 2 variant alleles.

Labcorp Genetics (formerly Invitae), Labcorp
Classification: Pathogenic. Last evaluated: 2024-01-19. Review status: criteria provided, single submitter. Criteria: Invitae Variant Classification Sherloc (09022015). Collection method: clinical testing. Allele origin: germline.
Comment: This sequence change affects a donor splice site in intron 30 of the TG gene. RNA analysis indicates that disruption of this splice site induces altered splicing and likely results in a shortened protein product. This variant is present in population databases (no rsID available, gnomAD 0.006%). Disruption of this splice site has been observed in individuals with clinical features of congenital hypothyroidism (PMID: 7593451, 11484898, 16720658, 23457313). ClinVar contains an entry for this variant (Variation ID: 684547). Studies have shown that disruption of this splice site results in skipping of exon 30, but is expected to preserve the integrity of the reading-frame (PMID: 7593451, 11484898, 23457313). For these reasons, this variant has been classified as Pathogenic.

OMIM
Classification: Pathogenic for THYROID DYSHORMONOGENESIS 3. Last evaluated: 1995-11-01. Review status: no assertion criteria provided. Collection method: literature only. Allele origin: germline. Not counted in ClinVar's aggregate classification.

Literature cited by the submitters: PubMed 11484898 (cited by 3 submitters); PubMed 7593451 (cited by Labcorp Genetics (formerly Invitae), Labcorp and OMIM); PubMed 16720658 (cited by Labcorp Genetics (formerly Invitae), Labcorp); PubMed 23457313 (cited by Labcorp Genetics (formerly Invitae), Labcorp); PubMed 2584351 (cited by OMIM).

NM_003235.5(TG):c.5686+1G>T

Gene: TG (thyroglobulin; plus strand). Cytogenetic location: 8q24.22.
Variant type: single nucleotide variant.
Coding change: c.5686+1G>T on transcript NM_003235.5 (MANE Select); the canonical splice donor site of the intron after coding-DNA position 5686, G replaced by T.
Molecular consequence: splice donor variant.
Genome position (GRCh38, 1-based): chr8:132,966,698, G>T. VCF-style: chr8-132966698-G-T. GRCh37 (hg19) VCF-style: chr8-133978943-G-T.
Identifiers: ClinVar variation 684547 (VCV000684547.14), dbSNP rs374620255, ClinGen allele CA372233816.